The following is an entry in ClinVar:

NM_198334.3(GANAB):c.1110C>T (p.Pro370=)

Gene: GANAB (glucosidase II alpha subunit; minus strand). Cytogenetic location: 11q12.3.
Variant type: single nucleotide variant.
Coding change: c.1110C>T on transcript NM_198334.3 (MANE Select); coding-DNA position 1110, C replaced by T.
Protein change: p.Pro370=; no amino-acid change (proline 370 retained).
Molecular consequence: synonymous variant.
Genome position (GRCh38, 1-based): chr11:62,631,070, G>A on the plus strand (C>T on the coding strand, the complement: GANAB is on the minus strand). VCF-style: chr11-62631070-G-A. GRCh37 (hg19) VCF-style: chr11-62398542-G-A.
Other names: c.834C>T, p.Pro278= (NM_001278192.2); c.768C>T, p.Pro256= (NM_001278193.2); c.819C>T, p.Pro273= (NM_001278194.2, NM_001329222.2, NM_001329223.2); c.387C>T, p.Pro129= (NM_001329224.2, NM_001329225.2); c.1176C>T, p.Pro392= (NM_198335.4).
Identifiers: ClinVar variation 3054543 (VCV003054543.2), dbSNP rs767706242, ClinGen allele CA6050861.

ClinVar aggregate classification (germline): Likely benign (0 of 4 stars; one submission).

Conditions:
GANAB-related disorder. Also called: GANAB-related condition.

Allele frequency attached by ClinVar (database versions not stated): ExAC 0.00001; gnomAD 0.00001; TOPMed 0.00002.

Submission:

PreventionGenetics, part of Exact Sciences
Classification: Likely benign for GANAB-related condition. Last evaluated: 2023-09-18. Review status: no assertion criteria provided. Collection method: clinical testing. Allele origin: germline.
Comment: This variant is classified as likely benign based on ACMG/AMP sequence variant interpretation guidelines (Richards et al. 2015 PMID: 25741868, with internal and published modifications).